The following is an entry in ClinVar:

NM_004655.4(AXIN2):c.1720A>G (p.Arg574Gly)

Gene: AXIN2 (axin 2; minus strand). Cytogenetic location: 17q24.1.
Variant type: single nucleotide variant.
Coding change: c.1720A>G on transcript NM_004655.4 (MANE Select); coding-DNA position 1720, A replaced by G.
Protein change: p.Arg574Gly; replaces arginine 574 with glycine.
Molecular consequence: missense variant. On other transcripts: intron variant (1).
Genome position (GRCh38, 1-based): chr17:65,537,056, T>C on the plus strand (A>G on the coding strand, the complement: AXIN2 is on the minus strand). VCF-style: chr17-65537056-T-C. GRCh37 (hg19) VCF-style: chr17-63533174-T-C.
Other names: c.1712+268A>G (NM_001363813.1); short protein forms R574G.
Identifiers: ClinVar variation 2024566 (VCV002024566.5), dbSNP rs2509409103, ClinGen allele CA400676752.

ClinVar aggregate classification (germline): Uncertain significance. Review status: criteria provided, multiple submitters, no conflicts (2 of 4 stars). 2 submissions from 2 submitters: Uncertain significance (2). Last evaluated 2025-08-05.

Conditions:
Hereditary cancer-predisposing syndrome. Also called: Neoplastic Syndromes, Hereditary; Tumor predisposition; Hereditary Cancer Syndrome; Hereditary neoplastic syndrome. Identifiers: Orphanet 140162, MedGen C0027672, MeSH D009386, MONDO:0015356.
Oligodontia-cancer predisposition syndrome. Also called: TOOTH AGENESIS-COLORECTAL CANCER SYNDROME. Identifiers: Orphanet 300576, MedGen C1837750, MONDO:0012075, OMIM 608615. Disease mechanism: loss of function.

Submissions (2):

Ambry Genetics
Classification: Uncertain significance for Hereditary cancer-predisposing syndrome. Last evaluated: 2025-08-05. Review status: criteria provided, single submitter. Criteria: Ambry Variant Classification Scheme 2023. Collection method: clinical testing. Allele origin: germline.
Comment: The p.R574G variant (also known as c.1720A>G), located in coding exon 6 of the AXIN2 gene, results from an A to G substitution at nucleotide position 1720. The arginine at codon 574 is replaced by glycine, an amino acid with dissimilar properties. This amino acid position is conserved. In addition, this alteration is predicted to be tolerated by in silico analysis. Based on the available evidence, the clinical significance of this variant remains unclear.

Labcorp Genetics (formerly Invitae), Labcorp
Classification: Uncertain significance for Oligodontia-cancer predisposition syndrome. Last evaluated: 2021-12-02. Review status: criteria provided, single submitter. Criteria: Invitae Variant Classification Sherloc (09022015). Collection method: clinical testing. Allele origin: germline.
Comment: This variant has not been reported in the literature in individuals affected with AXIN2-related conditions. This sequence change replaces arginine, which is basic and polar, with glycine, which is neutral and non-polar, at codon 574 of the AXIN2 protein (p.Arg574Gly). This variant is not present in population databases (gnomAD no frequency). Algorithms developed to predict the effect of missense changes on protein structure and function (SIFT, PolyPhen-2, Align-GVGD) all suggest that this variant is likely to be tolerated. In summary, the available evidence is currently insufficient to determine the role of this variant in disease. Therefore, it has been classified as a Variant of Uncertain Significance.